The following is an entry in ClinVar:

NM_001256715.2(DNAAF3):c.1051G>A (p.Ala351Thr)

Genes: DNAAF3 (dynein axonemal assembly factor 3; minus strand), DNAAF3-AS1 (DNAAF3 antisense RNA 1; plus strand). Cytogenetic location: 19q13.42.
Variant type: single nucleotide variant.
Coding change: c.1051G>A on transcript NM_001256715.2 (MANE Select); coding-DNA position 1051, G replaced by A.
Protein change: p.Ala351Thr; replaces alanine 351 with threonine.
Molecular consequence: missense variant. On other transcripts: splice acceptor variant (1).
Genome position (GRCh38, 1-based): chr19:55,160,011, C>T on the plus strand (G>A on the coding strand, the complement: DNAAF3 is on the minus strand). VCF-style: chr19-55160011-C-T. GRCh37 (hg19) VCF-style: chr19-55671379-C-T.
Other names: c.889G>A, p.Ala297Thr (NM_001256716.2); c.1192G>A, p.Ala398Thr (NM_178837.4); c.1253-1G>A (NM_001256714.1); short protein forms A398T, A351T, A297T.
Identifiers: ClinVar variation 2843209 (VCV002843209.3), dbSNP rs748600370, ClinGen allele CA9667925.

ClinVar aggregate classification (germline): Likely pathogenic (1 of 4 stars; one submission).

Conditions:
Primary ciliary dyskinesia. Also called: Ciliary dyskinesia. Identifiers: Orphanet 244, MedGen C0008780, MONDO:0016575, HP:0012265.

Allele frequency attached by ClinVar (database versions not stated): TOPMed below 0.00001.

Submission:

Labcorp Genetics (formerly Invitae), Labcorp
Classification: Likely pathogenic for Primary ciliary dyskinesia. Last evaluated: 2025-07-30. Review status: criteria provided, single submitter. Criteria: Invitae Variant Classification Sherloc (09022015). Collection method: clinical testing. Allele origin: germline.
Comment: This sequence change affects an acceptor splice site in intron 9 of the DNAAF3 gene. It is expected to disrupt RNA splicing. Variants that disrupt the donor or acceptor splice site typically lead to a loss of protein function (PMID: 16199547), and loss-of-function variants in DNAAF3 are known to be pathogenic (PMID: 22387996). This variant is present in population databases (rs748600370, gnomAD 0.002%). This variant has not been reported in the literature in individuals affected with DNAAF3-related conditions. ClinVar contains an entry for this variant (Variation ID: 2843209). Algorithms developed to predict the effect of sequence changes on RNA splicing suggest that this variant may disrupt the consensus splice site. In summary, the currently available evidence indicates that the variant is pathogenic, but additional data are needed to prove that conclusively. Therefore, this variant has been classified as Likely Pathogenic.

Literature cited by the submitters: PubMed 16199547; PubMed 22387996.